The following is an entry in ClinVar:

ClinVar aggregate classification (germline): Pathogenic/Likely pathogenic. Review status: criteria provided, multiple submitters, no conflicts (2 of 4 stars). 13 submissions from 13 submitters: Pathogenic (8); Likely pathogenic (2). 3 of the submissions do not count toward it. Last evaluated 2025-12-04.

Conditions:
CSTB-related disorder. Also called: CSTB-related condition.
Progressive myoclonic epilepsy. Also called: Myoclonic Epilepsies, Progressive; Progressive myoclonus epilepsy; Familial progressive myoclonic epilepsy; Myoclonus epilepsy. Identifiers: Orphanet 308, Orphanet 98261, MedGen C0751778, MONDO:0020074.
Inborn genetic diseases. Identifiers: MedGen C0950123, MeSH D030342.
Unverricht-Lundborg syndrome. Also called: Unverricht-Lundborg Disease; Epilepsy, progressive myoclonic 1A (Unverricht and Lundborg); Progressive myoclonus epilepsy baltic myoclonic epilepsy; Myoclonus progressive epilepsy of Unverricht and Lundborg; EPILEPSY, PROGRESSIVE MYOCLONIC, 1A; Myoclonic epilepsy of unverricht and lundborg. Identifiers: Orphanet 308, MedGen C0751785, MONDO:0009698, OMIM 254800.

Submissions 1 to 9 of 13:

Victorian Clinical Genetics Services, Murdoch Childrens Research Institute
Classification: Pathogenic for Unverricht-Lundborg syndrome. Last evaluated: 2025-12-04. Review status: criteria provided, single submitter. Criteria: ACMG Guidelines, 2015. Collection method: clinical testing. Allele origin: germline. Affected: yes.
Comment: This variant is classified as Pathogenic. Evidence in support of pathogenic classification: Variant is predicted to result in a truncated protein (premature termination codon is NOT located at least 54 nucleotides upstream of the final exon-exon junction) with less than 1/3 of the protein sequence affected; Variant is present in gnomAD <0.01 for a recessive condition (v4: 361 heterozygotes, 0 homozygotes) ; This variant has strong previous evidence of pathogenicity in unrelated individuals. This variant has been classified as likely pathogenic and pathogenic by multiple clinical laboratories in ClinVar. It has also been reported as compound heterozygous with a known pathogenic dodecamer repeat expansion in individuals with myoclonic epilepsy, or as homozygous in individuals with syndromic developmental disorders (PMID: 9054946, 36398398, DECIPHER). Additional information: This variant is heterozygous; This gene is associated with autosomal recessive disease; Loss of function is a known mechanism of disease in this gene and is associated with epilepsy, progressive myoclonic 1A (Unverricht and Lundborg) (MIM#254800) and genetic developmental and epileptic encephalopathy (MONDO:0100062), CSTB-related. Individuals with myoclonic epilepsy are either homozygous or compound heterozygous for a dodecamer repeat expansion, while individuals with genetic developmental and epileptic encephalopathy have CSTB sequence variants (PMID:20301321, ClinGen CCID:004591).

GeneDx
Classification: Likely pathogenic. Last evaluated: 2025-10-19. Review status: criteria provided, single submitter. Criteria: GeneDx Variant Classification Process June 2021. Collection method: clinical testing. Allele origin: germline. Affected: yes.
Comment: Published functional studies suggest that the variant does not localize to lysosomes as compared to unaffected controls (PMID: 15483648, 17920138); Not observed at significant frequency in large population cohorts (gnomAD); Frameshift variant predicted to result in abnormal protein length as the last 26 amino acids are replaced with 2 different amino acids; This variant is associated with the following publications: (PMID: 9054946, 9342192, 7543407, 17003839, 30669344, 17920138, 31440721, 38247861, 9012407, 15483648)

Labcorp Genetics (formerly Invitae), Labcorp
Classification: Pathogenic for Progressive myoclonic epilepsy. Last evaluated: 2025-08-29. Review status: criteria provided, single submitter. Criteria: Invitae Variant Classification Sherloc (09022015). Collection method: clinical testing. Allele origin: germline.
Comment: This sequence change creates a premature translational stop signal (p.Leu73Profs*3) in the CSTB gene. While this is not anticipated to result in nonsense mediated decay, it is expected to disrupt the last 26 amino acid(s) of the CSTB protein. This variant is present in population databases (rs796943858, gnomAD 0.005%). This premature translational stop signal has been observed in individual(s) with progressive myoclonus epilepsy type 1 (PMID: 9012407, 9054946, 9342192). This variant is also known as c.313_314del2, del2399TC, and 2404ΔTC. ClinVar contains an entry for this variant (Variation ID: 55960). Algorithms developed to predict the effect of variants on gene product structure and function are not available or were not evaluated for this variant. Experimental studies have shown that this premature translational stop signal affects CSTB function (PMID: 9342192, 15483648, 17920138). This variant disrupts the p.Leu73 amino acid residue in CSTB. Other variant(s) that disrupt this residue have been determined to be pathogenic (PMID: 10441148). This suggests that this residue is clinically significant, and that variants that disrupt this residue are likely to be disease-causing. For these reasons, this variant has been classified as Pathogenic.

Athena Diagnostics
Classification: Pathogenic. Last evaluated: 2024-09-16. Review status: criteria provided, single submitter. Criteria: Athena Diagnostics Criteria. Collection method: clinical testing. Allele origin: unknown.
Comment: This variant is expected to result in the loss of a functional protein. The frequency of this variant in the general population is consistent with pathogenicity. This variant has been identified in at least one individual with clinical features associated with this gene. In multiple individuals, this variant has been seen with a single recessive pathogenic variant in the same gene, suggesting this variant may also be pathogenic.

Blueprint Genetics
Classification: Pathogenic for CSTB-related disorders. Last evaluated: 2024-01-08. Review status: criteria provided, single submitter. Criteria: ACMG Guidelines, 2015. Collection method: clinical testing. Allele origin: germline. Affected: yes. Observed: 5 variant alleles.

Mayo Clinic Laboratories, Mayo Clinic
Classification: Pathogenic. Last evaluated: 2023-03-31. Review status: criteria provided, single submitter. Criteria: ACMG Guidelines, 2015. Collection method: clinical testing. Allele origin: germline. Observed: 1 variant allele.
Comment: PP4, PM2, PS3, PS4_moderate, PVS1_strong

Women's Health and Genetics/Laboratory Corporation of America, LabCorp
Classification: Pathogenic for Unverricht-Lundborg syndrome. Last evaluated: 2022-09-30. Review status: criteria provided, single submitter. Criteria: LabCorp Variant Classification Summary - May 2015. Collection method: clinical testing. Allele origin: germline.
Comment: Variant summary: CSTB c.218_219delTC (p.Leu73ProfsX3) results in a premature termination codon, predicted to cause a truncation of the encoded protein or absence of the protein due to nonsense mediated decay, which are commonly known mechanisms for disease. The variant allele was found at a frequency of 2.5e-05 in 282872 control chromosomes (gnomAD). c.218_219delTC has been reported in the literature in individuals affected with Unverricht-Lundborg Syndrome (e.g. Lafreniere_1997, Lalioti_1997, Bespalova_1997). These data indicate that the variant is likely to be associated with disease. At least one publication reports experimental evidence evaluating protein function, and found that the variant does not localize to the lysosomes which may contribute to misfunction (Alakurtti_2005). Five ClinVar submitters have assessed the variant since 2014: one classified the variant as likely pathogenic, and four as pathogenic. Based on the evidence outlined above, the variant was classified as pathogenic.

Ambry Genetics
Classification: Pathogenic for Inborn genetic diseases. Last evaluated: 2022-02-28. Review status: criteria provided, single submitter. Criteria: Ambry Variant Classification Scheme 2023. Collection method: clinical testing. Allele origin: germline.
Comment: The c.218_219delTC (p.L73Pfs*3) alteration, located in exon 3 (coding exon 3) of the CSTB gene, consists of a deletion of 2 nucleotides from position 218 to 219, causing a translational frameshift with a predicted alternate stop codon after 3 amino acids. This alteration occurs at the 3' terminus of the CSTB gene, is not expected to trigger nonsense-mediated mRNA decay, and only impacts the last 26 amino acids of the protein. However, premature stop codons are typically deleterious in nature and the impacted region is critical for protein function. Based on data from gnomAD, this allele has an overall frequency of 0.003% (7/282872) total alleles studied. The highest observed frequency was 0.005% (6/129176) of European (non-Finnish) alleles. This mutation has been reported in three unrelated individuals with Unverricht-Lundborg disease (EPM1) (Bespalova, 1997; Lafreni&egrave;re, 1997; Lalioti, 1997). A second mutation (expansion of the dodecamer repeat) was identified in one of the individuals. Studies of bovine CSTB have shown that some of the C-terminal residues affected by this truncation are important for protein function (Pol, 1999). In addition, this protein truncation is predicted to be structurally destabilizing and to disrupt binding of target proteins (Ambry internal data; Stubbs, 1990; Jenko Kokalj, 2007). Functional analysis demonstrated that levels of CSTB mRNA were significantly decreased in cells from patients heterozygous for the CSTB c.218_219delTC (p.L73Pfs*3) alteration compared to unaffected individuals (Lafreni&egrave;re, 1997; Bespalova, 1997). When the L73Pfs*3 protein was expressed in vitro, the mutant protein had diffuse distribution in the cytoplasm and nucleus and did not colocalize with lysosomes (Alakurtti, 2005). Based on the available evidence, this alteration is classified as pathogenic.

Revvity Omics, Revvity
Classification: Pathogenic for Unverricht-Lundborg syndrome. Last evaluated: 2021-11-23. Review status: criteria provided, single submitter. Criteria: ACMG Guidelines, 2015. Collection method: clinical testing. Allele origin: germline.

NM_000100.4(CSTB):c.218_219del (p.Leu73fs)

Gene: CSTB (cystatin B; minus strand). Cytogenetic location: 21q22.3.
Variant type: Microsatellite.
Coding change: c.218_219del on transcript NM_000100.4 (MANE Select); coding-DNA positions 218 to 219, 2 bases deleted (TC; older notation c.218_219delTC).
Protein change: p.Leu73fs; shifts the reading frame from leucine 73.
Molecular consequence: frameshift variant.
Genome position (GRCh38, 1-based): chr21:43,774,280-43,774,281, GA deleted on the plus strand (TC on the coding strand, the reverse complement: CSTB is on the minus strand); deleting any 2 consecutive bases within chr21:43,774,280-43,774,285 gives the same sequence; the c. name uses the placement nearest the transcript's 3' end. VCF-style (leftmost placement, unchanged base first): chr21-43774279-GGA-G. GRCh37 (hg19) VCF-style: chr21-45194160-GGA-G.
Other names: p.Leu73Profs*3; c.218_219delTC (NM_000100.3, NM_000100.2); c.218_219del (NM_000100.2); short protein forms L73fs.
Identifiers: ClinVar variation 55960 (VCV000055960.29), dbSNP rs796943858, ClinGen allele CA344722.